The following is an entry in ClinVar:

NM_004168.4(SDHA):c.1888G>A (p.Val630Met)

Gene: SDHA (succinate dehydrogenase complex flavoprotein subunit A; plus strand). Cytogenetic location: 5p15.33.
Variant type: single nucleotide variant.
Coding change: c.1888G>A on transcript NM_004168.4 (MANE Select); coding-DNA position 1888, G replaced by A.
Protein change: p.Val630Met; replaces valine 630 with methionine.
Molecular consequence: missense variant.
Genome position (GRCh38, 1-based): chr5:254,486, G>A. VCF-style: chr5-254486-G-A. GRCh37 (hg19) VCF-style: chr5-254601-G-A.
Other names: c.1744G>A, p.Val582Met (NM_001294332.2); c.1645G>A, p.Val549Met (NM_001330758.2); short protein forms V630M, V582M, V549M.
Identifiers: ClinVar variation 5029174 (VCV005029174.1).

ClinVar aggregate classification (germline): Uncertain significance (1 of 4 stars; one submission).

Conditions:
Hereditary cancer-predisposing syndrome. Also called: Neoplastic Syndromes, Hereditary; Tumor predisposition; Hereditary neoplastic syndrome; Hereditary Cancer Syndrome. Identifiers: Orphanet 140162, MedGen C0027672, MeSH D009386, MONDO:0015356.

gnomAD v4.1: 1 of 1,573,198 alleles (0.000064%); highest among the groups gnomAD compares: Non-Finnish European, 0.000086%; no homozygotes.

Submission:

Ambry Genetics
Classification: Uncertain significance for Hereditary cancer-predisposing syndrome. Last evaluated: 2026-06-29. Review status: criteria provided, single submitter. Criteria: Ambry Variant Classification Scheme 2023. Collection method: clinical testing. Allele origin: germline.
Comment: The p.V630M variant (also known as c.1888G>A), located in coding exon 14 of the SDHA gene, results from a G to A substitution at nucleotide position 1888. The valine at codon 630 is replaced by methionine, an amino acid with highly similar properties. This amino acid position is conserved. In addition, this alteration is predicted to be tolerated by in silico analysis. Based on the available evidence, the clinical significance of this variant remains unclear.